The following is an entry in ClinVar:

ClinVar aggregate classification (germline): Uncertain significance. Review status: criteria provided, multiple submitters, no conflicts (2 of 4 stars). 6 submissions from 6 submitters: Uncertain significance (6). Last evaluated 2025-08-26.
ClinVar aggregate classification (oncogenicity): Uncertain significance (1 of 4 stars; one submission).

Conditions:
ATM-related disorder. Also called: ATM-related disorders; ATM-related condition.
Hereditary cancer-predisposing syndrome. Also called: Neoplastic Syndromes, Hereditary; Hereditary neoplastic syndrome; Tumor predisposition; Hereditary Cancer Syndrome. Identifiers: Orphanet 140162, MedGen C0027672, MeSH D009386, MONDO:0015356.
Familial cancer of breast. Also called: hereditary breast carcinoma; Hereditary breast cancer; BREAST CANCER, FAMILIAL. Identifiers: Orphanet 227535, MedGen C0346153, MONDO:0016419, OMIM 114480. Disease mechanism: loss of function.
Ataxia-telangiectasia syndrome (AT). Also called: Ataxia telangiectasia (A-T); Cerebello-oculocutaneous telangiectasia; Immunodeficiency with ataxia telangiectasia; LOUIS-BAR SYNDROME; AT, COMPLEMENTATION GROUP C; ATAXIA-TELANGIECTASIA, FRESNO VARIANT. Identifiers: Orphanet 100, MedGen C0004135, MONDO:0008840, OMIM 208900.
Neoplasm. Also called: Neoplasms; Neoplasm (disease); tumor. Identifiers: MedGen C0027651, MeSH D009369, MONDO:0005070, HP:0002664.

Allele frequency attached by ClinVar (database versions not stated): gnomAD 0.00001; gnomAD exomes below 0.00001.
gnomAD v4.1: 3 of 1,612,960 alleles (0.00019%); highest among the groups gnomAD compares: Non-Finnish European, 0.00025%; no homozygotes.

Submissions (7):

Center for Genomic Medicine, Rigshospitalet, Copenhagen University Hospital
Classification: Uncertain significance for Neoplasm. Last evaluated: 2026-10-16. Review status: criteria provided, single submitter. Criteria: ClinGen/CGC/VICC Guidelines for Oncogenicity, 2022. Collection method: clinical testing. Allele origin: somatic. Affected: yes.

Labcorp Genetics (formerly Invitae), Labcorp
Classification: Uncertain significance for Ataxia-telangiectasia syndrome. Last evaluated: 2025-08-26. Review status: criteria provided, single submitter. Criteria: Invitae Variant Classification Sherloc (09022015). Collection method: clinical testing. Allele origin: germline.
Comment: This sequence change replaces cysteine, which is neutral and slightly polar, with tyrosine, which is neutral and polar, at codon 2021 of the ATM protein (p.Cys2021Tyr). This variant is not present in population databases (gnomAD no frequency). This variant has not been reported in the literature in individuals affected with ATM-related conditions. ClinVar contains an entry for this variant (Variation ID: 232903). Invitae Evidence Modeling of protein sequence and biophysical properties (such as structural, functional, and spatial information, amino acid conservation, physicochemical variation, residue mobility, and thermodynamic stability) indicates that this missense variant is not expected to disrupt ATM protein function with a negative predictive value of 95%. In summary, the available evidence is currently insufficient to determine the role of this variant in disease. Therefore, it has been classified as a Variant of Uncertain Significance.

Ambry Genetics
Classification: Uncertain significance for Hereditary cancer-predisposing syndrome. Last evaluated: 2024-12-05. Review status: criteria provided, single submitter. Criteria: Ambry Variant Classification Scheme 2023. Collection method: clinical testing. Allele origin: germline.
Comment: The p.C2021Y variant (also known as c.6062G>A), located in coding exon 40 of the ATM gene, results from a G to A substitution at nucleotide position 6062. The cysteine at codon 2021 is replaced by tyrosine, an amino acid with highly dissimilar properties. This amino acid position is highly conserved in available vertebrate species. In addition, the in silico prediction for this alteration is inconclusive. Since supporting evidence is limited at this time, the clinical significance of this alteration remains unclear.

Baylor Genetics
Classification: Uncertain significance for Familial cancer of breast. Last evaluated: 2023-11-21. Review status: criteria provided, single submitter. Criteria: ACMG Guidelines, 2015. Collection method: clinical testing. Allele origin: unknown.

PreventionGenetics, part of Exact Sciences
Classification: Uncertain significance for ATM-related condition. Last evaluated: 2023-06-07. Review status: criteria provided, single submitter. Criteria: ACMG Guidelines, 2015. Collection method: clinical testing. Allele origin: germline.
Comment: The ATM c.6062G>A variant is predicted to result in the amino acid substitution p.Cys2021Tyr. To our knowledge, this variant has not been reported in the literature or in a large population database, indicating this variant is rare. At this time, the clinical significance of this variant is uncertain due to the absence of conclusive functional and genetic evidence.

Color Diagnostics, LLC DBA Color Health
Classification: Uncertain significance for Hereditary cancer-predisposing syndrome. Last evaluated: 2023-05-31. Review status: criteria provided, single submitter. Criteria: ACMG Guidelines, 2015. Collection method: clinical testing. Allele origin: germline.
Comment: This missense variant replaces cysteine with tyrosine at codon 2021 of the ATM protein. Computational prediction is inconclusive regarding the impact of this variant on protein structure and function (internally defined REVEL score threshold 0.5 < inconclusive < 0.7, PMID: 27666373). To our knowledge, functional studies have not been reported for this variant. This variant has not been reported in individuals affected with ATM-related disorders in the literature. This variant has not been identified in the general population by the Genome Aggregation Database (gnomAD). The available evidence is insufficient to determine the role of this variant in disease conclusively. Therefore, this variant is classified as a Variant of Uncertain Significance.

GeneDx
Classification: Uncertain significance. Last evaluated: 2016-06-06. Review status: criteria provided, single submitter. Criteria: GeneDx Variant Classification (06012015). Collection method: clinical testing. Allele origin: germline. Affected: yes.
Comment: This variant is denoted ATM c.6062G>A at the cDNA level, p.Cys2021Tyr (C2021Y) at the protein level, and results in the change of a Cysteine to a Tyrosine (TGT>TAT). This variant was observed in an individual with lung cancer (Suzuki 2013). ATM Cys2021Tyr was not observed in approximately 6,500 individuals of European and African American ancestry in the NHLBI Exome Sequencing Project, suggesting it is not a common benign variant in these populations. Since Cysteine and Tyrosine differ in polarity, charge, size or other properties, this is considered a non-conservative amino acid substitution. ATM Cys2021Tyr occurs at a position that is conserved across species and is located in the FAT domain (Stracker 2013). In silico analyses are inconsistent regarding the effect this variant may have on protein structure and function. Based on currently available evidence, it is unclear whether ATM Cys2021Tyr is a pathogenic or benign variant. We consider it to be a variant of uncertain significance.

Literature cited by the submitters: PubMed 40580951 (cited by Center for Genomic Medicine, Rigshospitalet, Copenhagen University Hospital).

NM_000051.4(ATM):c.6062G>A (p.Cys2021Tyr)

Genes: ATM (ATM serine/threonine kinase; plus strand), C11orf65 (chromosome 11 open reading frame 65; minus strand). Cytogenetic location: 11q22.3.
Variant type: single nucleotide variant.
Coding change: c.6062G>A on transcript NM_000051.4 (MANE Select); coding-DNA position 6062, G replaced by A.
Protein change: p.Cys2021Tyr; replaces cysteine 2021 with tyrosine.
Molecular consequence: missense variant. On other transcripts: intron variant (2).
Genome position (GRCh38, 1-based): chr11:108,315,878, G>A. VCF-style: chr11-108315878-G-A. GRCh37 (hg19) VCF-style: chr11-108186605-G-A.
Other names: c.6062G>A, p.Cys2021Tyr (NM_001351834.2); c.641-6807C>T (NM_001330368.2); c.*39-6807C>T (NM_001351110.2); short protein forms C2021Y.
Identifiers: ClinVar variation 232903 (VCV000232903.17), dbSNP rs876660062, ClinGen allele CA10579206.